The following is an entry in ClinVar:

ClinVar aggregate classification (germline): Pathogenic (0 of 4 stars; one submission).

Conditions:
Abnormality of neuronal migration. Identifiers: MedGen C1837249, HP:0002269.

Submission:

Génétique et pathophysiologie de maladies neurodéveloppementales et épileptogènes, Institut de génétique et de biologie moléculaire et cellulaire
Classification: Pathogenic for Malformation of Cortical Development. Last evaluated: 2014-10-31. Review status: no assertion criteria provided. Collection method: clinical testing. Allele origin: maternal. Affected: yes. Observed: 4 variant alleles, 2 heterozygotes, 2 compound heterozygotes.

NM_005045.3(RELN):c.[2213G>A];[9427T>G]

Variant type: CompoundHeterozygote.
Identifiers: ClinVar variation 424736 (VCV000424736.2).